The following is an entry in ClinVar:

ClinVar aggregate classification (germline): Uncertain significance (1 of 4 stars; one submission).

gnomAD v4.1: 1 of 1,599,212 alleles (0.000063%); highest among the groups gnomAD compares: Non-Finnish European, 0.000085%; no homozygotes.

Submission:

Labcorp Genetics (formerly Invitae), Labcorp
Classification: Uncertain significance. Last evaluated: 2020-10-12. Review status: criteria provided, single submitter. Criteria: Invitae Variant Classification Sherloc (09022015). Collection method: clinical testing. Allele origin: germline.
Comment: In summary, the available evidence is currently insufficient to determine the role of this variant in disease. Therefore, it has been classified as a Variant of Uncertain Significance. Algorithms developed to predict the effect of missense changes on protein structure and function are either unavailable or do not agree on the potential impact of this missense change (SIFT: "Tolerated"; PolyPhen-2: "Probably Damaging"; Align-GVGD: "Class C0"). This variant has not been reported in the literature in individuals with SZT2-related conditions. This variant is not present in population databases (ExAC no frequency). This sequence change replaces serine with asparagine at codon 2386 of the SZT2 protein (p.Ser2386Asn). The serine residue is highly conserved and there is a small physicochemical difference between serine and asparagine.

NM_001365999.1(SZT2):c.7328G>A (p.Ser2443Asn)

Gene: SZT2 (SZT2 subunit of KICSTOR complex; plus strand). Cytogenetic location: 1p34.2.
Variant type: single nucleotide variant.
Coding change: c.7328G>A on transcript NM_001365999.1 (MANE Select); coding-DNA position 7328, G replaced by A.
Protein change: p.Ser2443Asn; replaces serine 2443 with asparagine.
Molecular consequence: missense variant.
Genome position (GRCh38, 1-based): chr1:43,440,570, G>A. VCF-style: chr1-43440570-G-A. GRCh37 (hg19) VCF-style: chr1-43906241-G-A.
Other names: c.7157G>A, p.Ser2386Asn (NM_015284.4); short protein forms S2386N, S2443N.
Identifiers: ClinVar variation 1017624 (VCV001017624.8), dbSNP rs1654959054, ClinGen allele CA340034443.
Genomic context (GRCh38, chr1:43,440,570, plus strand): 5'-TTCCCCCTGCCCCTGTCCCTGGGGAGCCTGTGACTCCACCCAGCAAAGCGGGCCGGCGTA[G>A]CTTCTGGGATATGCTGGTAATGGAAGAAGTGGTGAAGTGGGCATCTACCTTTCTGCCTGC-3'
Protein context (NP_001352928.1, residues 2433-2453): VTPPSKAGRR[Ser2443Asn]FWDMLSKTEC